The following is an entry in ClinVar:

ClinVar aggregate classification (germline): Conflicting classifications of pathogenicity. Review status: criteria provided, conflicting classifications (1 of 4 stars). 2 submissions from 2 submitters: Uncertain significance (1); Likely benign (1). Last evaluated 2024-12-09.

Allele frequency attached by ClinVar (database versions not stated): gnomAD 0.00003 and 0.00004; TOPMed 0.00003; ExAC 0.00005; gnomAD exomes 0.00007.

Submissions (2):

Labcorp Genetics (formerly Invitae), Labcorp
Classification: Uncertain significance. Last evaluated: 2024-12-09. Review status: criteria provided, single submitter. Criteria: Invitae Variant Classification Sherloc (09022015). Collection method: clinical testing. Allele origin: germline.
Comment: This sequence change falls in intron 6 of the GPR179 gene. It does not directly change the encoded amino acid sequence of the GPR179 protein. It affects a nucleotide within the consensus splice site. This variant is present in population databases (rs780769637, gnomAD 0.01%). This variant has not been reported in the literature in individuals affected with GPR179-related conditions. ClinVar contains an entry for this variant (Variation ID: 1501476). Variants that disrupt the consensus splice site are a relatively common cause of aberrant splicing (PMID: 17576681, 9536098). Algorithms developed to predict the effect of sequence changes on RNA splicing suggest that this variant is not likely to affect RNA splicing. In summary, the available evidence is currently insufficient to determine the role of this variant in disease. Therefore, it has been classified as a Variant of Uncertain Significance.

Blueprint Genetics
Classification: Likely benign. Last evaluated: 2024-05-23. Review status: criteria provided, single submitter. Criteria: ACMG Guidelines, 2015. Collection method: clinical testing. Allele origin: germline.

Literature cited by the submitters: PubMed 17576681 (cited by Labcorp Genetics (formerly Invitae), Labcorp); PubMed 9536098 (cited by Labcorp Genetics (formerly Invitae), Labcorp).

NM_001004334.4(GPR179):c.1406+4C>T

Gene: GPR179 (G protein-coupled receptor 179; minus strand). Cytogenetic location: 17q12.
Variant type: single nucleotide variant.
Coding change: c.1406+4C>T on transcript NM_001004334.4 (MANE Select); 4 bases into the intron after coding-DNA position 1406, C replaced by T.
Molecular consequence: intron variant.
Genome position (GRCh38, 1-based): chr17:38,335,587, G>A on the plus strand (C>T on the coding strand, the complement: GPR179 is on the minus strand). VCF-style: chr17-38335587-G-A. GRCh37 (hg19) VCF-style: chr17-36491470-G-A.
Identifiers: ClinVar variation 1501476 (VCV001501476.6), dbSNP rs780769637, ClinGen allele CA290108839.